The following is an entry in ClinVar:

NM_000419.5(ITGA2B):c.875G>A (p.Ser292Asn)

Gene: ITGA2B (integrin subunit alpha 2b; minus strand). Cytogenetic location: 17q21.31.
Variant type: single nucleotide variant.
Coding change: c.875G>A on transcript NM_000419.5 (MANE Select); coding-DNA position 875, G replaced by A.
Protein change: p.Ser292Asn; replaces serine 292 with asparagine.
Molecular consequence: missense variant.
Genome position (GRCh38, 1-based): chr17:44,384,327, C>T on the plus strand (G>A on the coding strand, the complement: ITGA2B is on the minus strand). VCF-style: chr17-44384327-C-T. GRCh37 (hg19) VCF-style: chr17-42461695-C-T.
Other names: short protein forms S292N.
Identifiers: ClinVar variation 3861510 (VCV003861510.2).
Genomic context (GRCh38, chr17:44,384,327, plus strand): 5'-CTGGGATAAGGGGCTTCGGGAGGCCCAGTGGTGGGGGCACTTACCGCTCCCAGGGTCCAG[C>T]TCCAAGTGGGGGCACCGACGACATATTCTGGCGATAGGGAGAGCCAGGCTCAGGGAATGA-3'
Protein context (NP_000410.2, residues 282-302): TEYVVGAPTW[Ser292Asn]WTLGAVEILD

ClinVar aggregate classification (germline): Uncertain significance. Review status: criteria provided, multiple submitters, no conflicts (2 of 4 stars). 2 submissions from 2 submitters: Uncertain significance (2). Last evaluated 2025-03-27.

Conditions:
Inborn genetic diseases. Identifiers: MedGen C0950123, MeSH D030342.
Glanzmann thrombasthenia. Also called: BLEEDING DISORDER, PLATELET-TYPE, 2; THROMBASTHENIA OF GLANZMANN AND NAEGELI; PLATELET GLYCOPROTEIN IIb-IIIa DEFICIENCY; Thrombasthenia; Glanzmann's thrombasthenia. Identifiers: Orphanet 849, MedGen C0040015, MONDO:0100326.

gnomAD v4.1: 18 of 1,613,388 alleles (0.0011%); highest among the groups gnomAD compares: Non-Finnish European, 0.0015%; no homozygotes.

Submissions (2):

Labcorp Genetics (formerly Invitae), Labcorp
Classification: Uncertain significance for Glanzmann thrombasthenia. Last evaluated: 2025-03-27. Review status: criteria provided, single submitter. Criteria: Invitae Variant Classification Sherloc (09022015). Collection method: clinical testing. Allele origin: germline.
Comment: This sequence change replaces serine, which is neutral and polar, with asparagine, which is neutral and polar, at codon 292 of the ITGA2B protein (p.Ser292Asn). This variant is present in population databases (rs767679341, gnomAD 0.002%). This variant has not been reported in the literature in individuals affected with ITGA2B-related conditions. Invitae Evidence Modeling of protein sequence and biophysical properties (such as structural, functional, and spatial information, amino acid conservation, physicochemical variation, residue mobility, and thermodynamic stability) has been performed for this missense variant. However, the output from this modeling did not meet the statistical confidence thresholds required to predict the impact of this variant on ITGA2B protein function. In summary, the available evidence is currently insufficient to determine the role of this variant in disease. Therefore, it has been classified as a Variant of Uncertain Significance.

Ambry Genetics
Classification: Uncertain significance for Inborn genetic diseases. Last evaluated: 2025-03-10. Review status: criteria provided, single submitter. Criteria: Ambry Variant Classification Scheme 2023. Collection method: clinical testing. Allele origin: germline.